The following is an entry in ClinVar:

ClinVar aggregate classification (germline): Pathogenic (1 of 4 stars; one submission).

Submission:

GeneDx
Classification: Pathogenic. Last evaluated: 2024-11-22. Review status: criteria provided, single submitter. Criteria: GeneDx Variant Classification Process June 2021. Collection method: clinical testing. Allele origin: germline. Affected: yes.
Comment: Frameshift variant predicted to result in protein truncation or nonsense mediated decay in a gene for which loss of function is a known mechanism of disease; Not observed at significant frequency in large population cohorts (gnomAD); Has not been previously published as pathogenic or benign to our knowledge

NM_207037.2(TCF12):c.875dup (p.Pro293fs)

Gene: TCF12 (transcription factor 12; plus strand). Cytogenetic location: 15q21.3.
Variant type: Duplication.
Coding change: c.875dup on transcript NM_207037.2 (MANE Select); coding-DNA position 875, one base duplicated (C; older notation c.875dupC).
Protein change: p.Pro293fs; shifts the reading frame from proline 293.
Molecular consequence: frameshift variant.
Genome position (GRCh38, 1-based): chr15:57,232,761, C duplicated; the last of 2 consecutive C bases (chr15:57,232,760-57,232,761); duplicating either gives the same sequence. VCF-style (leftmost placement, unchanged base first): chr15-57232759-T-TC. GRCh37 (hg19) VCF-style: chr15-57524957-T-TC.
Other names: c.365dup, p.Pro123fs (NM_001306219.3, NM_207040.2); c.167dup, p.Pro57fs (NM_001306220.3); c.875dup, p.Pro293fs (NM_001322151.2, NM_001322152.2, NM_001322157.3 and 7 more transcripts); c.218dup, p.Pro74fs (NM_001322154.2); c.701dup, p.Pro235fs (NM_001322156.2, NM_001322158.2); c.911dup, p.Pro305fs (NM_001322164.2); short protein forms P123fs, P235fs, P293fs, P305fs, P57fs, P74fs.
Identifiers: ClinVar variation 3900291 (VCV003900291.1).